The following is an entry in ClinVar:

NM_000268.4(NF2):c.1739_1747del (p.Leu580_Leu582del)

Gene: NF2 (NF2, moesin-ezrin-radixin like (MERLIN) tumor suppressor; plus strand). Cytogenetic location: 22q12.2.
Variant type: Deletion.
Coding change: c.1739_1747del on transcript NM_000268.4 (MANE Select); coding-DNA positions 1739 to 1747, 9 bases deleted (TCACCTTGC; older notation c.1739_1747delTCACCTTGC).
Protein change: p.Leu580_Leu582del.
Genome position (GRCh38, 1-based): chr22:29,694,753-29,694,761, TCACCTTGC deleted; deleting any 9 consecutive bases within chr22:29,694,751-29,694,761 gives the same sequence; the c. name uses the placement nearest the transcript's 3' end. VCF-style (leftmost placement, unchanged base first): chr22-29694750-AGCTCACCTT-A. GRCh37 (hg19) VCF-style: chr22-30090739-AGCTCACCTT-A.
Other names: c.1739_1747del (NM_000268.3).
Identifiers: ClinVar variation 412216 (VCV000412216.14), dbSNP rs1060503674, ClinGen allele CA16616605.

ClinVar aggregate classification (germline): Conflicting classifications of pathogenicity. Review status: criteria provided, conflicting classifications (1 of 4 stars). 3 submissions from 3 submitters: Uncertain significance (2); Likely benign (1). Last evaluated 2026-01-04.

Conditions:
Hereditary cancer-predisposing syndrome. Also called: Tumor predisposition; Hereditary Cancer Syndrome; Hereditary neoplastic syndrome; Neoplastic Syndromes, Hereditary. Identifiers: Orphanet 140162, MedGen C0027672, MeSH D009386, MONDO:0015356.
Neurofibromatosis, type 2 (SWNV). Also called: SCHWANNOMATOSIS, VESTIBULAR; NF2-Related Schwannomatosis; BILATERAL ACOUSTIC NEUROFIBROMATOSIS. Identifiers: Orphanet 637, MedGen C0027832, MONDO:0007039, OMIM 101000. Disease mechanism: loss of function.

Submissions (3):

Labcorp Genetics (formerly Invitae), Labcorp
Classification: Likely benign for Neurofibromatosis, type 2. Last evaluated: 2026-01-04. Review status: criteria provided, single submitter. Criteria: Invitae Variant Classification Sherloc (09022015). Collection method: clinical testing. Allele origin: germline.

Ambry Genetics
Classification: Uncertain significance for Hereditary cancer-predisposing syndrome. Last evaluated: 2023-11-28. Review status: criteria provided, single submitter. Criteria: Ambry Variant Classification Scheme 2023. Collection method: clinical testing. Allele origin: germline.
Comment: The c.1739_1747delTCACCTTGC variant (also known as p.L580_L582del) is located in coding exon 16 of the NF2 gene. This variant results from an in-frame TCACCTTGC deletion at nucleotide positions 1739 to 1747. This results in the in-frame deletion of 3 amino acids between codons 580 and 582. These amino acid positions are highly conserved in available vertebrate species. Since supporting evidence is limited at this time, the clinical significance of this alteration remains unclear.

Genome-Nilou Lab
Classification: Uncertain significance for Neurofibromatosis, type 2. Last evaluated: 2021-11-07. Review status: criteria provided, single submitter. Criteria: ACMG Guidelines, 2015. Collection method: clinical testing. Allele origin: germline. Affected: no.